The following is an entry in ClinVar:

ClinVar aggregate classification (germline): Uncertain significance (1 of 4 stars; one submission).

Conditions:
Juvenile polyposis syndrome (JPS). Identifiers: Orphanet 2929, MedGen C0345893, MONDO:0017380, OMIM 174900.

Submission:

Labcorp Genetics (formerly Invitae), Labcorp
Classification: Uncertain significance for Juvenile polyposis syndrome. Last evaluated: 2024-08-05. Review status: criteria provided, single submitter. Criteria: Invitae Variant Classification Sherloc (09022015). Collection method: clinical testing. Allele origin: germline.
Comment: This sequence change replaces aspartic acid, which is acidic and polar, with alanine, which is neutral and non-polar, at codon 211 of the BMPR1A protein (p.Asp211Ala). This variant is not present in population databases (gnomAD no frequency). This variant has not been reported in the literature in individuals affected with BMPR1A-related conditions. Advanced modeling of protein sequence and biophysical properties (such as structural, functional, and spatial information, amino acid conservation, physicochemical variation, residue mobility, and thermodynamic stability) performed at Invitae indicates that this missense variant is not expected to disrupt BMPR1A protein function with a negative predictive value of 80%. In summary, the available evidence is currently insufficient to determine the role of this variant in disease. Therefore, it has been classified as a Variant of Uncertain Significance.

NM_004329.3(BMPR1A):c.632A>C (p.Asp211Ala)

Gene: BMPR1A (bone morphogenetic protein receptor type 1A; plus strand). Cytogenetic location: 10q23.2.
Variant type: single nucleotide variant.
Coding change: c.632A>C on transcript NM_004329.3 (MANE Select); coding-DNA position 632, A replaced by C.
Protein change: p.Asp211Ala; replaces aspartic acid 211 with alanine.
Molecular consequence: missense variant. On other transcripts: non-coding transcript variant (3), intron variant (1).
Genome position (GRCh38, 1-based): chr10:86,912,341, A>C. VCF-style: chr10-86912341-A-C. GRCh37 (hg19) VCF-style: chr10-88672098-A-C.
Other names: c.632A>C, p.Asp211Ala (NM_001406579.1, NM_001406580.1, NM_001406581.1 and 20 more transcripts); c.548A>C, p.Asp183Ala (NM_001406584.1, NM_001406585.1, NM_001406586.1 and 2 more transcripts); c.680A>C, p.Asp227Ala (NM_001406560.1); c.707A>C, p.Asp236Ala (NM_001406559.1); c.334-4793A>C (NM_001406589.1); short protein forms D183A, D236A, D211A, D227A.
Identifiers: ClinVar variation 3661426 (VCV003661426.2).